The following is an entry in ClinVar:

ClinVar aggregate classification (germline): Uncertain significance (1 of 4 stars; one submission).

Submission:

Labcorp Genetics (formerly Invitae), Labcorp
Classification: Uncertain significance. Last evaluated: 2024-10-16. Review status: criteria provided, single submitter. Criteria: Invitae Variant Classification Sherloc (09022015). Collection method: clinical testing. Allele origin: germline.
Comment: This sequence change replaces valine, which is neutral and non-polar, with glutamic acid, which is acidic and polar, at codon 327 of the GABRB1 protein (p.Val327Glu). This variant is not present in population databases (gnomAD no frequency). This variant has not been reported in the literature in individuals affected with GABRB1-related conditions. ClinVar contains an entry for this variant (Variation ID: 2091479). Invitae Evidence Modeling of protein sequence and biophysical properties (such as structural, functional, and spatial information, amino acid conservation, physicochemical variation, residue mobility, and thermodynamic stability) indicates that this missense variant is expected to disrupt GABRB1 protein function with a positive predictive value of 80%. In summary, the available evidence is currently insufficient to determine the role of this variant in disease. Therefore, it has been classified as a Variant of Uncertain Significance.

NM_000812.4(GABRB1):c.980T>A (p.Val327Glu)

Gene: GABRB1 (gamma-aminobutyric acid type A receptor subunit beta1; plus strand). Cytogenetic location: 4p12.
Variant type: single nucleotide variant.
Coding change: c.980T>A on transcript NM_000812.4 (MANE Select); coding-DNA position 980, T replaced by A.
Protein change: p.Val327Glu; replaces valine 327 with glutamic acid.
Molecular consequence: missense variant.
Genome position (GRCh38, 1-based): chr4:47,406,826, T>A. VCF-style: chr4-47406826-T-A. GRCh37 (hg19) VCF-style: chr4-47408843-T-A.
Other names: short protein forms V327E.
Identifiers: ClinVar variation 2091479 (VCV002091479.4), dbSNP rs2475468575, ClinGen allele CA356811722.